The following is an entry in ClinVar:

NM_001365951.3(KIF1B):c.1045G>A (p.Asp349Asn)

Gene: KIF1B (kinesin family member 1B; plus strand). Cytogenetic location: 1p36.22.
Variant type: single nucleotide variant.
Coding change: c.1045G>A on transcript NM_001365951.3 (MANE Select); coding-DNA position 1045, G replaced by A.
Protein change: p.Asp349Asn; replaces aspartic acid 349 with asparagine.
Molecular consequence: missense variant.
Genome position (GRCh38, 1-based): chr1:10,277,993, G>A. VCF-style: chr1-10277993-G-A. GRCh37 (hg19) VCF-style: chr1-10338051-G-A.
Other names: c.1027G>A, p.Asp343Asn (NM_015074.3, NM_183416.4, NM_001365953.1); c.1045G>A, p.Asp349Asn (NM_001365952.1); short protein forms D343N, D349N.
Identifiers: ClinVar variation 4858889 (VCV004858889.1).
Genomic context (GRCh38, chr1:10,277,993, plus strand): 5'-GAGAAGTAGAACATATGAGAAATGACAAGAACAAATTTTCTTTTTGGATCTAGATATGCA[G>A]ATCGTGCAAAACAAATTAAATGCAATGCTGTTATCAATGAGGACCCCAATGCCAAACTGG-3'
Protein context (NP_001352880.1, residues 339-359): DETLSTLRYA[Asp349Asn]RAKQIKCNAV

ClinVar aggregate classification (germline): Uncertain significance (1 of 4 stars; one submission).

Submission:

Ambry Genetics
Classification: Uncertain significance. Last evaluated: 2026-06-12. Review status: criteria provided, single submitter. Criteria: Ambry Variant Classification Scheme 2023. Collection method: clinical testing. Allele origin: germline.
Comment: The p.D343N variant (also known as c.1027G>A), located in coding exon 11 of the KIF1B gene, results from a G to A substitution at nucleotide position 1027. The aspartic acid at codon 343 is replaced by asparagine, an amino acid with highly similar properties. This amino acid position is conserved. In addition, this alteration is predicted to be tolerated by in silico analysis. Based on the available evidence, the clinical significance of this variant remains unclear.